The following is an entry in ClinVar:

ClinVar aggregate classification (germline): Uncertain significance. Review status: criteria provided, multiple submitters, no conflicts (2 of 4 stars). 2 submissions from 2 submitters: Uncertain significance (2). Last evaluated 2021-09-13.

Conditions:
Charcot-Marie-Tooth disease type 4G. Also called: CHARCOT-MARIE-TOOTH DISEASE, DEMYELINATING, TYPE 4G; Neuropathy, hereditary motor and sensory, Russe type; CHARCOT-MARIE-TOOTH NEUROPATHY, TYPE 4G. Identifiers: Orphanet 99953, MedGen C1854449, MONDO:0011534, OMIM 605285.

Submissions (2):

Revvity Omics, Revvity
Classification: Uncertain significance. Last evaluated: 2021-09-13. Review status: criteria provided, single submitter. Criteria: ACMG Guidelines, 2015. Collection method: clinical testing. Allele origin: germline.

Baylor Genetics
Classification: Uncertain significance for Charcot-Marie-Tooth disease type 4G. Last evaluated: 2019-05-03. Review status: criteria provided, single submitter. Criteria: ACMG Guidelines, 2015. Collection method: clinical testing. Allele origin: unknown. Affected: yes.
Comment: This variant was determined to be of uncertain significance according to ACMG Guidelines, 2015 [PMID:25741868].

NM_000188.3(HK1):c.1871dup (p.Ala625fs)

Gene: HK1 (hexokinase 1; plus strand). Cytogenetic location: 10q22.1.
Variant type: Duplication.
Coding change: c.1871dup on transcript NM_000188.3 (MANE Select); coding-DNA position 1871, one base duplicated (A; older notation c.1871dupA).
Protein change: p.Ala625fs; shifts the reading frame from alanine 625.
Molecular consequence: frameshift variant.
Genome position (GRCh38, 1-based): chr10:69,386,354, A duplicated; the last of 2 consecutive A bases (chr10:69,386,353-69,386,354); duplicating either gives the same sequence. VCF-style (leftmost placement, unchanged base first): chr10-69386352-T-TA. GRCh37 (hg19) VCF-style: chr10-71146108-T-TA.
Other names: c.1871dupA (NM_000188.2); c.1883dup, p.Ala629fs (NM_001322364.2, NM_001358263.1, NM_033497.3 and 1 more transcripts); c.1976dup, p.Ala660fs (NM_001322365.2); c.1787dup, p.Ala597fs (NM_001322366.1); c.1775dup, p.Ala593fs (NM_001322367.1); c.1868dup, p.Ala624fs (NM_033496.3); c.1835dup, p.Ala613fs (NM_033500.2); c.1871dup (NM_000188.2); short protein forms A660fs, A593fs, A597fs, A624fs, A629fs, A613fs, A625fs.
Identifiers: ClinVar variation 1030654 (VCV001030654.4), dbSNP rs754451671, ClinGen allele CA5532713.
Genomic context (GRCh38, chr10:69,386,352, plus strand): 5'-CAGGACTCTCCTGGTGCTTTTTATGTTGTAGGGAATCTTGATCACGTGGACAAAGGGTTT[T>TA]AAGGCAACAGACTGCGTGGGCCACGATGTAGTCACCTTACTAAGGGATGCGATAAAAAGG-3'